The following is an entry in ClinVar:

ClinVar aggregate classification (germline): Likely benign. Review status: criteria provided, multiple submitters, no conflicts (2 of 4 stars). 3 submissions from 3 submitters: Likely benign (3). Last evaluated 2024-11-27.

Conditions:
Inborn genetic diseases. Identifiers: MedGen C0950123, MeSH D030342.

Allele frequency attached by ClinVar (database versions not stated): gnomAD 0.00001; gnomAD exomes 0.00001; ExAC 0.00002; TOPMed 0.00002; ESP Exome Variant Server 0.00015.
gnomAD v4.1: 8 of 1,613,890 alleles (0.0005%); highest among the groups gnomAD compares: Non-Finnish European, 0.00059%; no homozygotes.

Submissions (3):

Ambry Genetics
Classification: Likely benign for Inborn genetic diseases. Last evaluated: 2024-11-27. Review status: criteria provided, single submitter. Criteria: Ambry Variant Classification Scheme 2023. Collection method: clinical testing. Allele origin: germline.

Women's Health and Genetics/Laboratory Corporation of America, LabCorp
Classification: Likely benign. Last evaluated: 2024-06-21. Review status: criteria provided, single submitter. Criteria: LabCorp Variant Classification Summary - May 2015. Collection method: clinical testing. Allele origin: germline.
Comment: Variant summary: KDM1A c.1893C>T alters a non-conserved nucleotide resulting in a synonymous change. Consensus agreement among computation tools predict no significant impact on normal splicing. However, these predictions have yet to be confirmed by functional studies. The variant allele was found at a frequency of 1.2e-05 in 250768 control chromosomes. The available data on variant occurrences in the general population are insufficient to allow any conclusion about variant significance. To our knowledge, no occurrence of c.1893C>T in individuals affected with Palatal Anomalies-Widely Spaced Teeth-Facial Dysmorphism-Developmental Delay Syndrome and no experimental evidence demonstrating its impact on protein function have been reported. ClinVar contains an entry for this variant (Variation ID: 2874973). Based on the evidence outlined above, the variant was classified as likely benign.

Labcorp Genetics (formerly Invitae), Labcorp
Classification: Likely benign. Last evaluated: 2023-08-30. Review status: criteria provided, single submitter. Criteria: Invitae Variant Classification Sherloc (09022015). Collection method: clinical testing. Allele origin: germline.

NM_001009999.3(KDM1A):c.1893C>T (p.Thr631=)

Gene: KDM1A (lysine demethylase 1A; plus strand). Cytogenetic location: 1p36.12.
Variant type: single nucleotide variant.
Coding change: c.1893C>T on transcript NM_001009999.3 (MANE Select); coding-DNA position 1893, C replaced by T.
Protein change: p.Thr631=; no amino-acid change (threonine 631 retained).
Molecular consequence: synonymous variant.
Genome position (GRCh38, 1-based): chr1:23,079,015, C>T. VCF-style: chr1-23079015-C-T. GRCh37 (hg19) VCF-style: chr1-23405508-C-T.
Other names: c.1893C>T (NM_001009999.2); c.1839C>T, p.Thr613= (NM_001363654.2); c.1899C>T, p.Thr633= (NM_001410762.1); c.1821C>T, p.Thr607= (NM_001410763.1, NM_015013.4).
Identifiers: ClinVar variation 2874973 (VCV002874973.5), dbSNP rs376667289, ClinGen allele CA679861.